The following is an entry in ClinVar:

ClinVar aggregate classification (germline): Uncertain significance (1 of 4 stars; one submission).

Conditions:
Epileptic encephalopathy. Identifiers: MedGen C0543888, HP:0200134.

Allele frequency attached by ClinVar (database versions not stated): gnomAD exomes below 0.00001 and 0.00001; TOPMed below 0.00001; gnomAD 0.00001 and 0.00002; ExAC 0.00002; 1000 Genomes Project 30x 0.00016; 1000 Genomes Project 0.00020.
gnomAD v4.1: 7 of 1,612,902 alleles (0.00043%); highest among the groups gnomAD compares: African/African-American, 0.008%; no homozygotes.

Submission:

Labcorp Genetics (formerly Invitae), Labcorp
Classification: Uncertain significance for Epileptic encephalopathy. Last evaluated: 2022-06-20. Review status: criteria provided, single submitter. Criteria: Invitae Variant Classification Sherloc (09022015). Collection method: clinical testing. Allele origin: germline.
Comment: In summary, the available evidence is currently insufficient to determine the role of this variant in disease. Therefore, it has been classified as a Variant of Uncertain Significance. Algorithms developed to predict the effect of missense changes on protein structure and function output the following: SIFT: "Tolerated"; PolyPhen-2: "Benign"; Align-GVGD: "Class C0". The tyrosine amino acid residue is found in multiple mammalian species, which suggests that this missense change does not adversely affect protein function. This variant has not been reported in the literature in individuals affected with FASN-related conditions. The frequency data for this variant in the population databases is considered unreliable, as metrics indicate poor data quality at this position in the gnomAD database. This sequence change replaces histidine, which is basic and polar, with tyrosine, which is neutral and polar, at codon 1884 of the FASN protein (p.His1884Tyr).

NM_004104.5(FASN):c.5650C>T (p.His1884Tyr)

Gene: FASN (fatty acid synthase; minus strand). Cytogenetic location: 17q25.3.
Variant type: single nucleotide variant.
Coding change: c.5650C>T on transcript NM_004104.5 (MANE Select); coding-DNA position 5650, C replaced by T.
Protein change: p.His1884Tyr; replaces histidine 1884 with tyrosine.
Molecular consequence: missense variant.
Genome position (GRCh38, 1-based): chr17:82,083,031, G>A on the plus strand (C>T on the coding strand, the complement: FASN is on the minus strand). VCF-style: chr17-82083031-G-A. GRCh37 (hg19) VCF-style: chr17-80040907-G-A.
Other names: short protein forms H1884Y.
Identifiers: ClinVar variation 1413342 (VCV001413342.8), dbSNP rs553520996, ClinGen allele CA8851604.
Genomic context (GRCh38, chr17:82,083,031, plus strand): 5'-GCCACTGCGCCAACTCCAGGCCGAAGCCACCCAGACCACCAGCGATGATGTAGCTCTTGT[G>A]GGCCGGGCAGAAGGTCTTGGAGATGGCCGACATCAGCTTGGGTTTGGCCCCCTTCAGCAC-3'
Protein context (NP_004095.4, residues 1874-1894): SAISKTFCPA[His1884Tyr]KSYIIAGGLG